The following is an entry in ClinVar:

ClinVar aggregate classification (germline): Uncertain significance (1 of 4 stars; one submission).

gnomAD v4.1: 1 of 1,613,806 alleles (0.000062%); highest among the groups gnomAD compares: Admixed American, 0.0017%; no homozygotes.

Submission:

Women's Health and Genetics/Laboratory Corporation of America, LabCorp
Classification: Uncertain significance. Last evaluated: 2025-07-08. Review status: criteria provided, single submitter. Criteria: LabCorp Variant Classification Summary - May 2015. Collection method: clinical testing. Allele origin: germline.
Comment: Variant summary: SRRM2 c.7240C>T (p.Pro2414Ser) results in a non-conservative amino acid change in the encoded protein sequence. Algorithms developed to predict the effect of missense changes on protein structure and function are either unavailable or do not agree on the potential impact of this missense change. The variant was absent in 251440 control chromosomes. The available data on variant occurrences in the general population are insufficient to allow any conclusion about variant significance. To our knowledge, no occurrence of c.7240C>T in individuals affected with Intellectual Developmental Disorder, Autosomal Dominant 72 and no experimental evidence demonstrating its impact on protein function have been reported. ClinVar contains an entry for this variant (Variation ID: 2682613). Based on the evidence outlined above, the variant was classified as uncertain significance.

NM_016333.4(SRRM2):c.7240C>T (p.Pro2414Ser)

Gene: SRRM2 (serine/arginine repetitive matrix 2; plus strand). Cytogenetic location: 16p13.3.
Variant type: single nucleotide variant.
Coding change: c.7240C>T on transcript NM_016333.4 (MANE Select); coding-DNA position 7240, C replaced by T.
Protein change: p.Pro2414Ser; replaces proline 2414 with serine.
Molecular consequence: missense variant.
Genome position (GRCh38, 1-based): chr16:2,767,768, C>T. VCF-style: chr16-2767768-C-T. GRCh37 (hg19) VCF-style: chr16-2817769-C-T.
Other names: short protein forms P2414S.
Identifiers: ClinVar variation 2682613 (VCV002682613.2), dbSNP rs1473373437, ClinGen allele CA394429024.
Genomic context (GRCh38, chr16:2,767,768, plus strand): 5'-AGTGGCAGAACCTCACCACCGCTCCTTGACCGAGCTAGGTCCAGAACACCACCGTCTGCC[C>T]CAAGCCAATCTAGGATGACCTCTGAACGGGCTCCCTCCCCTTCCTCTAGAATGGGCCAGG-3'
Protein context (NP_057417.3, residues 2404-2424): RARSRTPPSA[Pro2414Ser]SQSRMTSERA